The following is an entry in ClinVar:

ClinVar aggregate classification (germline): Uncertain significance (1 of 4 stars; one submission).

Conditions:
Epidermodysplasia verruciformis. Identifiers: Orphanet 302, MedGen C0014522, MONDO:0009176.

Allele frequency attached by ClinVar (database versions not stated): ExAC 0.00004; gnomAD exomes 0.00004 and 0.00010; gnomAD 0.00007 and 0.00009; TOPMed 0.00007.
gnomAD v4.1: 159 of 1,608,164 alleles (0.0099%); highest among the groups gnomAD compares: Non-Finnish European, 0.013%; no homozygotes.

Submission:

Labcorp Genetics (formerly Invitae), Labcorp
Classification: Uncertain significance for Epidermodysplasia verruciformis. Last evaluated: 2022-03-04. Review status: criteria provided, single submitter. Criteria: Invitae Variant Classification Sherloc (09022015). Collection method: clinical testing. Allele origin: germline.
Comment: This sequence change replaces asparagine, which is neutral and polar, with threonine, which is neutral and polar, at codon 721 of the TMC6 protein (p.Asn721Thr). This variant is present in population databases (rs781552554, gnomAD 0.007%). This variant has not been reported in the literature in individuals affected with TMC6-related conditions. ClinVar contains an entry for this variant (Variation ID: 1018556). Algorithms developed to predict the effect of missense changes on protein structure and function are either unavailable or do not agree on the potential impact of this missense change (SIFT: "Not Available"; PolyPhen-2: "Benign"; Align-GVGD: "Not Available"). In summary, the available evidence is currently insufficient to determine the role of this variant in disease. Therefore, it has been classified as a Variant of Uncertain Significance.

NM_001127198.5(TMC6):c.2162A>C (p.Asn721Thr)

Gene: TMC6 (transmembrane channel like 6; minus strand). Cytogenetic location: 17q25.3.
Variant type: single nucleotide variant.
Coding change: c.2162A>C on transcript NM_001127198.5 (MANE Select); coding-DNA position 2162, A replaced by C.
Protein change: p.Asn721Thr; replaces asparagine 721 with threonine.
Molecular consequence: missense variant.
Genome position (GRCh38, 1-based): chr17:78,117,504, T>G on the plus strand (A>C on the coding strand, the complement: TMC6 is on the minus strand). VCF-style: chr17-78117504-T-G. GRCh37 (hg19) VCF-style: chr17-76113585-T-G.
Other names: c.2162A>C, p.Asn721Thr (NM_001321185.1, NM_001374596.1, NM_001375353.1 and 2 more transcripts); c.1982A>C, p.Asn661Thr (NM_001374593.1, NM_001374594.1); short protein forms N661T, N721T.
Identifiers: ClinVar variation 1018556 (VCV001018556.6), dbSNP rs781552554, ClinGen allele CA8795413.